The following is an entry in ClinVar:

NM_000443.4(ABCB4):c.3524T>A (p.Leu1175His)

Gene: ABCB4 (ATP binding cassette subfamily B member 4; minus strand). Cytogenetic location: 7q21.12.
Variant type: single nucleotide variant.
Coding change: c.3524T>A on transcript NM_000443.4 (MANE Select); coding-DNA position 3524, T replaced by A.
Protein change: p.Leu1175His; replaces leucine 1175 with histidine.
Molecular consequence: missense variant.
Genome position (GRCh38, 1-based): chr7:87,403,244, A>T on the plus strand (T>A on the coding strand, the complement: ABCB4 is on the minus strand). VCF-style: chr7-87403244-A-T. GRCh37 (hg19) VCF-style: chr7-87032560-A-T.
Other names: c.3545T>A, p.Leu1182His (NM_018849.3); c.3383T>A, p.Leu1128His (NM_018850.3); short protein forms L1128H, L1175H, L1182H.
Identifiers: ClinVar variation 4846526 (VCV004846526.1).

ClinVar aggregate classification (germline): Uncertain significance (1 of 4 stars; one submission).

Conditions:
Familial intrahepatic cholestasis. Identifiers: Orphanet 284385, MedGen CN296401, MONDO:0017290.

gnomAD v4.1: 1 of 1,614,036 alleles (0.000062%); highest among the groups gnomAD compares: Non-Finnish European, 0.000085%; no homozygotes.

Submission:

Genomenon, Inc
Classification: Uncertain significance for Familial intrahepatic cholestasis. Last evaluated: 2026-04-14. Review status: criteria provided, single submitter. Criteria: Genomenon Sequence Variant Interpretation Standards - Updated. Collection method: curation. Allele origin: germline. Affected: yes.
Comment: ABCB4 p.Leu1175His (c.3524T>A) is a missense variant that changes the amino acid at residue 1175 from Leucine to Histidine. This variant has been observed in at least one proband with an ABCB4-related disorder (PMID:33757843). It is absent or not present at a significant frequency in gnomAD. In silico models predict that this variant is possibly or probably damaging. In conclusion, we classify ABCB4 p.Leu1175His (c.3524T>A) as a variant of uncertain significance.

Literature cited by the submitters: PubMed 33757843.